The following is an entry in ClinVar:

ClinVar aggregate classification (germline): Uncertain significance (1 of 4 stars; one submission).

gnomAD v4.1: 6 of 1,614,234 alleles (0.00037%); highest among the groups gnomAD compares: East Asian, 0.0045%; no homozygotes.

Submission:

CeGaT Center for Human Genetics Tuebingen
Classification: Uncertain significance. Last evaluated: 2025-10-01. Review status: criteria provided, single submitter. Criteria: CeGaT Center For Human Genetics Tuebingen Variant Classification Criteria Version 2. Collection method: clinical testing. Allele origin: germline. Affected: yes. Observed: 1 variant allele.
Comment: MAPRE2: PM2

NM_014268.4(MAPRE2):c.839A>C (p.Gln280Pro)

Gene: MAPRE2 (microtubule associated protein RP/EB family member 2; plus strand). Cytogenetic location: 18q12.2.
Variant type: single nucleotide variant.
Coding change: c.839A>C on transcript NM_014268.4 (MANE Select); coding-DNA position 839, A replaced by C.
Protein change: p.Gln280Pro; replaces glutamine 280 with proline.
Molecular consequence: missense variant. On other transcripts: non-coding transcript variant (1).
Genome position (GRCh38, 1-based): chr18:35,132,120, A>C. VCF-style: chr18-35132120-A-C. GRCh37 (hg19) VCF-style: chr18-32712084-A-C.
Other names: c.710A>C, p.Gln237Pro (NM_001143826.3); c.803A>C, p.Gln268Pro (NM_001143827.3); c.680A>C, p.Gln227Pro (NM_001256420.2); short protein forms Q227P, Q237P, Q268P, Q280P.
Identifiers: ClinVar variation 4534930 (VCV004534930.6).
Genomic context (GRCh38, chr18:35,132,120, plus strand): 5'-GCGTGGAAAAGGAAAGGGATTTCTACTTTGGGAAGTTGAGAGAGATCGAGCTACTCTGCC[A>C]AGAACACGGGCAGGAAAATGATGACCTCGTGCAGAGACTAATGGACATCCTGTATGCTTC-3'
Protein context (NP_055083.1, residues 270-290): GKLREIELLC[Gln280Pro]EHGQENDDLV